The following is an entry in ClinVar:

ClinVar aggregate classification (germline): Benign/Likely benign. Review status: criteria provided, multiple submitters, no conflicts (2 of 4 stars). 4 submissions from 4 submitters: Benign (1); Likely benign (2). 1 of the submissions does not count toward it. Last evaluated 2025-11-17.

Conditions:
Beckwith-Wiedemann syndrome (BWS). Also called: EMG SYNDROME; Exomphalos macroglossia gigantism syndrome. Identifiers: Orphanet 116, MedGen C0004903, MONDO:0007534, OMIM 130650.
CDKN1C-related disorder. Also called: CDKN1C-related condition.

Submissions (4):

Labcorp Genetics (formerly Invitae), Labcorp
Classification: Benign for Beckwith-Wiedemann syndrome. Last evaluated: 2025-11-17. Review status: criteria provided, single submitter. Criteria: Invitae Variant Classification Sherloc (09022015). Collection method: clinical testing. Allele origin: germline.

Sema4
Classification: Likely benign for Beckwith-Wiedemann syndrome. Last evaluated: 2021-03-28. Review status: criteria provided, single submitter. Criteria: Sema4 Curation Guidelines. Collection method: curation. Allele origin: germline.

Eurofins Ntd Llc (ga)
Classification: Likely benign. Last evaluated: 2018-04-03. Review status: criteria provided, single submitter. Criteria: EGL ClinVar v180209 classification definitions. Collection method: clinical testing. Allele origin: germline. Observed: 1 variant allele, 1 heterozygote.

PreventionGenetics, part of Exact Sciences
Classification: Likely benign for CDKN1C-related condition. Last evaluated: 2023-04-05. Review status: no assertion criteria provided. Collection method: clinical testing. Allele origin: germline. Not counted in ClinVar's aggregate classification.
Comment: This variant is classified as likely benign based on ACMG/AMP sequence variant interpretation guidelines (Richards et al. 2015 PMID: 25741868, with internal and published modifications).

NM_001122630.2(CDKN1C):c.567_572del (p.186_187AP[9])

Gene: CDKN1C (cyclin dependent kinase inhibitor 1C; minus strand). Cytogenetic location: 11p15.4.
Variant type: Deletion.
Coding change: c.567_572del on transcript NM_001122630.2 (MANE Select); coding-DNA positions 567 to 572, 6 bases deleted (AGCCCC; older notation c.567_572delAGCCCC).
Protein change: p.186_187AP[9].
Molecular consequence: inframe deletion. On other transcripts: intron variant (1).
Genome position (GRCh38, 1-based): chr11:2,884,885-2,884,890, GGGGCT deleted on the plus strand (AGCCCC on the coding strand, the reverse complement: CDKN1C is on the minus strand); deleting any 6 consecutive bases within chr11:2,884,885-2,884,895 gives the same sequence; the c. name uses the placement nearest the transcript's 3' end. VCF-style (leftmost placement, unchanged base first): chr11-2884884-CGGGGCT-C. GRCh37 (hg19) VCF-style: chr11-2906114-CGGGGCT-C.
Other names: c.600_605del, p.197_198AP[9] (NM_000076.2, NM_001362474.2, LRG_533t1); c.567_572del, p.186_187AP[9] (NM_001122631.2); c.255+312_255+317del (NM_001362475.2); c.600_605delAGCCCC (NM_000076.2); c.600_605del6 (NM_000076.2).
Identifiers: ClinVar variation 524719 (VCV000524719.18), dbSNP rs1060503860, ClinGen allele CA597432649.